The following is an entry in ClinVar:

ClinVar aggregate classification (germline): Uncertain significance. Review status: criteria provided, multiple submitters, no conflicts (2 of 4 stars). 6 submissions from 6 submitters: Uncertain significance (5). 1 of the submissions does not count toward it. Last evaluated 2024-10-23.

Conditions:
Granulomatous disease, chronic, autosomal recessive, cytochrome b-negative. Also called: Chronic granulomatous disease, autosomal, due to deficiency of CYBA; CGD DUE TO DEFICIENCY OF THE ALPHA SUBUNIT OF CYTOCHROME b; CGD, AUTOSOMAL RECESSIVE CYTOCHROME b-NEGATIVE; CYBA DEFICIENCY; GRANULOMATOUS DISEASE, CHRONIC, AUTOSOMAL RECESSIVE, 4. Identifiers: Orphanet 379, MedGen C1856255, MONDO:0009308, OMIM 233690.
Chronic granulomatous disease. Identifiers: Orphanet 379, MedGen C0018203, MONDO:0018305.

Allele frequency attached by ClinVar (database versions not stated): gnomAD 0.00008 and 0.00011; TOPMed 0.00008; gnomAD exomes 0.00017; 1000 Genomes Project 0.00020; 1000 Genomes Project 30x 0.00031; ExAC 0.00052.
gnomAD v4.1: 206 of 1,552,744 alleles (0.013%); highest among the groups gnomAD compares: Middle Eastern, 0.084%; no homozygotes.

Submissions (6):

Blueprint Genetics
Classification: Uncertain significance. Last evaluated: 2024-10-23. Review status: criteria provided, single submitter. Criteria: ACMG Guidelines, 2015. Collection method: clinical testing. Allele origin: germline.

GeneDx
Classification: Uncertain significance. Last evaluated: 2023-10-02. Review status: criteria provided, single submitter. Criteria: GeneDx Variant Classification Process June 2021. Collection method: clinical testing. Allele origin: germline. Affected: yes.
Comment: In silico analysis supports that this missense variant has a deleterious effect on protein structure/function; This variant is associated with the following publications: (PMID: 33144682, 35344128)

CeGaT Center for Human Genetics Tuebingen
Classification: Uncertain significance. Last evaluated: 2022-09-01. Review status: criteria provided, single submitter. Criteria: CeGaT Center For Human Genetics Tuebingen Variant Classification Criteria Version 2. Collection method: clinical testing. Allele origin: germline. Affected: yes. Observed: 1 variant allele.

Labcorp Genetics (formerly Invitae), Labcorp
Classification: Uncertain significance for Granulomatous disease, chronic, autosomal recessive, cytochrome b-negative. Last evaluated: 2022-09-01. Review status: criteria provided, single submitter. Criteria: Invitae Variant Classification Sherloc (09022015). Collection method: clinical testing. Allele origin: germline.
Comment: This sequence change replaces serine, which is neutral and polar, with leucine, which is neutral and non-polar, at codon 98 of the CYBA protein (p.Ser98Leu). This variant is present in population databases (rs201755210, gnomAD 0.06%). This variant has not been reported in the literature in individuals affected with CYBA-related conditions. ClinVar contains an entry for this variant (Variation ID: 664770). Algorithms developed to predict the effect of missense changes on protein structure and function (SIFT, PolyPhen-2, Align-GVGD) all suggest that this variant is likely to be tolerated. In summary, the available evidence is currently insufficient to determine the role of this variant in disease. Therefore, it has been classified as a Variant of Uncertain Significance.

Clinical Genetics Laboratory, Skane University Hospital Lund
Classification: Uncertain significance. Last evaluated: 2022-05-27. Review status: criteria provided, single submitter. Criteria: ACMG Guidelines, 2015. Collection method: clinical testing. Allele origin: germline. Affected: yes.

Natera, Inc.
Classification: Uncertain significance for Chronic granulomatous disease. Last evaluated: 2020-02-21. Review status: no assertion criteria provided. Collection method: clinical testing. Allele origin: germline. Not counted in ClinVar's aggregate classification.

NM_000101.4(CYBA):c.293C>T (p.Ser98Leu)

Gene: CYBA (cytochrome b-245 alpha chain; minus strand). Cytogenetic location: 16q24.2.
Variant type: single nucleotide variant.
Coding change: c.293C>T on transcript NM_000101.4 (MANE Select); coding-DNA position 293, C replaced by T.
Protein change: p.Ser98Leu; replaces serine 98 with leucine.
Molecular consequence: missense variant.
Genome position (GRCh38, 1-based): chr16:88,646,192, G>A on the plus strand (C>T on the coding strand, the complement: CYBA is on the minus strand). VCF-style: chr16-88646192-G-A. GRCh37 (hg19) VCF-style: chr16-88712600-G-A.
Other names: c.293C>T (NM_000101.2); short protein forms S98L.
Identifiers: ClinVar variation 664770 (VCV000664770.37), dbSNP rs201755210, ClinGen allele CA8228267.